The following is an entry in ClinVar:

NM_001114753.3(ENG):c.917T>C (p.Leu306Pro)

Gene: ENG (endoglin; minus strand). Cytogenetic location: 9q34.11.
Variant type: single nucleotide variant.
Coding change: c.917T>C on transcript NM_001114753.3 (MANE Select); coding-DNA position 917, T replaced by C.
Protein change: p.Leu306Pro; replaces leucine 306 with proline.
Molecular consequence: missense variant.
Genome position (GRCh38, 1-based): chr9:127,824,874, A>G on the plus strand (T>C on the coding strand, the complement: ENG is on the minus strand). VCF-style: chr9-127824874-A-G. GRCh37 (hg19) VCF-style: chr9-130587153-A-G.
Other names: c.917T>C, p.Leu306Pro (NM_000118.4, NM_001406715.1); c.371T>C, p.Leu124Pro (NM_001278138.2); short protein forms L306P, L124P.
Identifiers: ClinVar variation 1766085 (VCV001766085.2), dbSNP rs2539072930, ClinGen allele CA374982314.

ClinVar aggregate classification (germline): Likely pathogenic (1 of 4 stars; one submission).

Conditions:
Cardiovascular phenotype. Identifiers: MedGen CN230736.

Submission:

Ambry Genetics
Classification: Likely pathogenic for Cardiovascular phenotype. Last evaluated: 2021-03-10. Review status: criteria provided, single submitter. Criteria: Ambry Variant Classification Scheme 2023. Collection method: clinical testing. Allele origin: germline.
Comment: The p.L306P variant (also known as c.917T>C), located in coding exon 7 of the ENG gene, results from a T to C substitution at nucleotide position 917. The leucine at codon 306 is replaced by proline, an amino acid with similar properties. This alteration has been described in multiple individuals with a clinical diagnosis of HHT (Letteboer TG et al. Hum Genet, 2005 Jan;116:8-16; Gallione CJ et al. Hum Mutat, 1998;11:286-94). Based on internal structural analysis, L306P is deleterious (Nolan-Stevaux O et al. PLoS One, 2012 Dec;7:e50920). This amino acid position is well conserved in available vertebrate species. In addition, the in silico prediction for this alteration is inconclusive. Based on the majority of available evidence to date, this variant is likely to be pathogenic.

Literature cited by the submitters: PubMed 15517393; PubMed 23300529; PubMed 7891375; PubMed 9554745.